The following is an entry in ClinVar:

NM_001048166.1(STIL):c.2687G>T (p.Ser896Ile)

Gene: STIL (STIL centriolar assembly protein; minus strand). Cytogenetic location: 1p33.
Variant type: single nucleotide variant.
Coding change: c.2687G>T on transcript NM_001048166.1 (MANE Select); coding-DNA position 2687, G replaced by T.
Protein change: p.Ser896Ile; replaces serine 896 with isoleucine.
Molecular consequence: missense variant.
Genome position (GRCh38, 1-based): chr1:47,263,045, C>A on the plus strand (G>T on the coding strand, the complement: STIL is on the minus strand). VCF-style: chr1-47263045-C-A. GRCh37 (hg19) VCF-style: chr1-47728717-C-A.
Other names: c.2633G>T, p.Ser878Ile (NM_001282937.1); c.2546G>T, p.Ser849Ile (NM_001282938.1); c.2492G>T, p.Ser831Ile (NM_001282939.1); c.2684G>T, p.Ser895Ile (NM_003035.2, NM_001282936.1); short protein forms S895I, S896I, S831I, S878I, S849I.
Identifiers: ClinVar variation 297554 (VCV000297554.10), dbSNP rs745904390, ClinGen allele CA842115.

ClinVar aggregate classification (germline): Uncertain significance. Review status: criteria provided, multiple submitters, no conflicts (2 of 4 stars). 2 submissions from 2 submitters: Uncertain significance (2). Last evaluated 2022-06-03.

Conditions:
Microcephaly 7, primary, autosomal recessive. Identifiers: Orphanet 2512, MedGen C2675187, MONDO:0012989, OMIM 612703.

Allele frequency attached by ClinVar (database versions not stated): TOPMed below 0.00001; ExAC 0.00001; gnomAD 0.00001; gnomAD exomes 0.00001.
gnomAD v4.1: 12 of 1,614,076 alleles (0.00074%); no homozygotes.

Submissions (2):

Labcorp Genetics (formerly Invitae), Labcorp
Classification: Uncertain significance. Last evaluated: 2022-06-03. Review status: criteria provided, single submitter. Criteria: Invitae Variant Classification Sherloc (09022015). Collection method: clinical testing. Allele origin: germline.
Comment: Algorithms developed to predict the effect of missense changes on protein structure and function are either unavailable or do not agree on the potential impact of this missense change (SIFT: "Deleterious"; PolyPhen-2: "Possibly Damaging"; Align-GVGD: "Class C0"). ClinVar contains an entry for this variant (Variation ID: 297554). This sequence change replaces serine, which is neutral and polar, with isoleucine, which is neutral and non-polar, at codon 895 of the STIL protein (p.Ser895Ile). This variant is present in population databases (rs745904390, gnomAD 0.02%). This variant has not been reported in the literature in individuals affected with STIL-related conditions. In summary, the available evidence is currently insufficient to determine the role of this variant in disease. Therefore, it has been classified as a Variant of Uncertain Significance.

Illumina Laboratory Services, Illumina
Classification: Uncertain significance for Microcephaly 7, primary, autosomal recessive. Last evaluated: 2018-01-13. Review status: criteria provided, single submitter. Criteria: ICSL Variant Classification Criteria 13 December 2019. Collection method: clinical testing. Allele origin: germline.